The following is an entry in ClinVar:

NM_017669.4(ERCC6L):c.1354G>A (p.Asp452Asn)

Genes: ERCC6L (ERCC excision repair 6 like DNA helicase; minus strand), PIN4 (peptidylprolyl cis/trans isomerase, NIMA-interacting 4; plus strand). Cytogenetic location: Xq13.1.
Variant type: single nucleotide variant.
Coding change: c.1354G>A on transcript NM_017669.4 (MANE Select); coding-DNA position 1354, G replaced by A.
Protein change: p.Asp452Asn; replaces aspartic acid 452 with asparagine.
Molecular consequence: missense variant. On other transcripts: intron variant (1).
Genome position (GRCh38, 1-based): chrX:72,207,413, C>T on the plus strand (G>A on the coding strand, the complement: ERCC6L is on the minus strand). VCF-style: chrX-72207413-C-T. GRCh37 (hg19) VCF-style: chrX-71427263-C-T.
Other names: c.985G>A, p.Asp329Asn (NM_001009954.3); c.312+10509C>T (NM_001170747.1); short protein forms D329N, D452N.
Identifiers: ClinVar variation 2266232 (VCV002266232.3), dbSNP rs1228769983, ClinGen allele CA413584779.

ClinVar aggregate classification (germline): Uncertain significance (1 of 4 stars; one submission).

Allele frequency attached by ClinVar (database versions not stated): gnomAD exomes 0.00004.
gnomAD v4.1: 40 of 1,211,183 alleles (0.0033%); highest among the groups gnomAD compares: Non-Finnish European, 0.0045%; no homozygotes.

Submission:

Ambry Genetics
Classification: Uncertain significance. Last evaluated: 2026-05-27. Review status: criteria provided, single submitter. Criteria: Ambry Variant Classification Scheme 2023. Collection method: clinical testing. Allele origin: germline.
Comment: The c.1354G>A (p.D452N) alteration is located in exon 2 (coding exon 2) of the ERCC6L gene. This alteration results from a G to A substitution at nucleotide position 1354, causing the aspartic acid (D) at amino acid position 452 to be replaced by an asparagine (N). Based on data from gnomAD, the A allele has an overall frequency of <0.001% (1/183027) total alleles studied. The highest observed frequency was 0.001% (1/81562) of European (non-Finnish) alleles. Based on insufficient or conflicting evidence, the clinical significance of this alteration remains unclear.